The following is an entry in ClinVar:

NM_021096.4(CACNA1I):c.5220G>T (p.Ala1740=)

Gene: CACNA1I (calcium voltage-gated channel subunit alpha1 I; plus strand). Cytogenetic location: 22q13.1.
Variant type: single nucleotide variant.
Coding change: c.5220G>T on transcript NM_021096.4 (MANE Select); coding-DNA position 5220, G replaced by T.
Protein change: p.Ala1740=; no amino-acid change (alanine 1740 retained).
Molecular consequence: synonymous variant.
Genome position (GRCh38, 1-based): chr22:39,679,271, G>T. VCF-style: chr22-39679271-G-T. GRCh37 (hg19) VCF-style: chr22-40075276-G-T.
Other names: c.5115G>T, p.Ala1705= (NM_001003406.2).
Identifiers: ClinVar variation 3043370 (VCV003043370.2), dbSNP rs367660062, ClinGen allele CA324410515.

ClinVar aggregate classification (germline): Likely benign (0 of 4 stars; one submission).

Conditions:
CACNA1I-related disorder. Also called: CACNA1I-related condition.

gnomAD v4.1: 15 of 1,580,718 alleles (0.00095%); highest among the groups gnomAD compares: African/African-American, 0.011%; no homozygotes.

Submission:

PreventionGenetics, part of Exact Sciences
Classification: Likely benign for CACNA1I-related condition. Last evaluated: 2019-06-25. Review status: no assertion criteria provided. Collection method: clinical testing. Allele origin: germline.
Comment: This variant is classified as likely benign based on ACMG/AMP sequence variant interpretation guidelines (Richards et al. 2015 PMID: 25741868, with internal and published modifications).